The following is an entry in ClinVar:

NM_001385012.1(NBEA):c.2497C>T (p.Pro833Ser)

Gene: NBEA (neurobeachin; plus strand). Cytogenetic location: 13q13.3.
Variant type: single nucleotide variant.
Coding change: c.2497C>T on transcript NM_001385012.1 (MANE Select); coding-DNA position 2497, C replaced by T.
Protein change: p.Pro833Ser; replaces proline 833 with serine.
Molecular consequence: missense variant.
Genome position (GRCh38, 1-based): chr13:35,155,825, C>T. VCF-style: chr13-35155825-C-T. GRCh37 (hg19) VCF-style: chr13-35729962-C-T.
Other names: c.2497C>T, p.Pro833Ser (NM_001379245.1, NM_015678.5); short protein forms P833S.
Identifiers: ClinVar variation 1803562 (VCV001803562.2), dbSNP rs771337651, ClinGen allele CA6946469.

ClinVar aggregate classification (germline): Uncertain significance (1 of 4 stars; one submission).

Allele frequency attached by ClinVar (database versions not stated): ExAC 0.00002.
gnomAD v4.1: 1 of 1,612,368 alleles (0.000062%); no homozygotes.

Submission:

GeneDx
Classification: Uncertain significance. Last evaluated: 2026-06-17. Review status: criteria provided, single submitter. Criteria: GeneDx Variant Classification Process June 2021. Collection method: clinical testing. Allele origin: germline.
Comment: Not observed at significant frequency in large population cohorts (gnomAD); In silico analysis supports that this missense variant has a deleterious effect on protein structure/function; Has not been previously published as pathogenic or benign to our knowledge